The following is an entry in ClinVar:

ClinVar aggregate classification (germline): Uncertain significance (1 of 4 stars; one submission).

gnomAD v4.1: 7 of 1,565,198 alleles (0.00045%); highest among the groups gnomAD compares: Admixed American, 0.0072%; no homozygotes.

Submission:

Labcorp Genetics (formerly Invitae), Labcorp
Classification: Uncertain significance. Last evaluated: 2022-10-08. Review status: criteria provided, single submitter. Criteria: Invitae Variant Classification Sherloc (09022015). Collection method: clinical testing. Allele origin: germline.
Comment: This sequence change replaces tyrosine, which is neutral and polar, with cysteine, which is neutral and slightly polar, at codon 459 of the DLL3 protein (p.Tyr459Cys). This variant is not present in population databases (gnomAD no frequency). This variant has not been reported in the literature in individuals affected with DLL3-related conditions. ClinVar contains an entry for this variant (Variation ID: 1523023). Algorithms developed to predict the effect of missense changes on protein structure and function are either unavailable or do not agree on the potential impact of this missense change (SIFT: "Deleterious"; PolyPhen-2: "Probably Damaging"; Align-GVGD: "Class C0"). In summary, the available evidence is currently insufficient to determine the role of this variant in disease. Therefore, it has been classified as a Variant of Uncertain Significance.

NM_203486.3(DLL3):c.1376A>G (p.Tyr459Cys)

Gene: DLL3 (delta like canonical Notch ligand 3; plus strand). Cytogenetic location: 19q13.2.
Variant type: single nucleotide variant.
Coding change: c.1376A>G on transcript NM_203486.3 (MANE Select); coding-DNA position 1376, A replaced by G.
Protein change: p.Tyr459Cys; replaces tyrosine 459 with cysteine.
Molecular consequence: missense variant.
Genome position (GRCh38, 1-based): chr19:39,507,321, A>G. VCF-style: chr19-39507321-A-G. GRCh37 (hg19) VCF-style: chr19-39997961-A-G.
Other names: c.1376A>G, p.Tyr459Cys (NM_016941.4); short protein forms Y459C.
Identifiers: ClinVar variation 1523023 (VCV001523023.3), dbSNP rs572290101, ClinGen allele CA405788478.